The following is an entry in ClinVar:

NM_001127671.2(LIFR):c.*6190C>T

Gene: LIFR (LIF receptor subunit alpha; minus strand). Cytogenetic location: 5p13.1.
Variant type: single nucleotide variant.
Coding change: c.*6190C>T on transcript NM_001127671.2 (MANE Select); 6190 bases downstream of the stop codon, C replaced by T.
Molecular consequence: 3 prime UTR variant.
Genome position (GRCh38, 1-based): chr5:38,475,405, G>A on the plus strand (C>T on the coding strand, the complement: LIFR is on the minus strand). VCF-style: chr5-38475405-G-A. GRCh37 (hg19) VCF-style: chr5-38475507-G-A.
Other names: c.*6190C>T (NM_001364297.2, NM_001364298.2, NM_002310.6).
Identifiers: ClinVar variation 353523 (VCV000353523.6), dbSNP rs1046224, ClinGen allele CA10624488.

ClinVar aggregate classification (germline): Benign. Review status: criteria provided, multiple submitters, no conflicts (2 of 4 stars). 2 submissions from 2 submitters: Benign (2). Last evaluated 2018-01-13.

Conditions:
Stuve-Wiedemann syndrome (STWS). Also called: Stüve-Wiedemann syndrome. Identifiers: Orphanet 3206, MedGen C0796176, MONDO:0031280.

Allele frequency attached by ClinVar (database versions not stated): gnomAD 0.30641 and 0.31525; TOPMed 0.31088; 1000 Genomes Project 30x 0.36352; 1000 Genomes Project 0.37280; gnomAD exomes 0.37725.
gnomAD v4.1: 64,511 of 196,310 alleles (33%); highest among the groups gnomAD compares: East Asian, 66%; 11,717 homozygotes.

Submissions (2):

Illumina Laboratory Services, Illumina
Classification: Benign for Stüve-Wiedemann syndrome 1. Last evaluated: 2018-01-13. Review status: criteria provided, single submitter. Criteria: ICSL Variant Classification Criteria 13 December 2019. Collection method: clinical testing. Allele origin: germline.
Comment: This variant was observed in the ICSL laboratory as part of a predisposition screen in an ostensibly healthy population. It had not been previously curated by ICSL or reported in the Human Gene Mutation Database (HGMD: prior to June 1st, 2018), and was therefore a candidate for classification through an automated scoring system. Utilizing variant allele frequency, disease prevalence and penetrance estimates, and inheritance mode, an automated score was calculated to assess if this variant is too frequent to cause the disease. Based on the score and internal cut-off values, a variant classified as benign is not then subjected to further curation. The score for this variant resulted in a classification of benign for this disease.

Breakthrough Genomics
Classification: Benign. Review status: criteria provided, single submitter. Criteria: ACMG Guidelines, 2015. Collection method: not provided. Allele origin: germline. Inheritance: Autosomal recessive inheritance. Affected: yes.